The following is an entry in ClinVar:

ClinVar aggregate classification (germline): Uncertain significance. Review status: criteria provided, multiple submitters, no conflicts (2 of 4 stars). 4 submissions from 4 submitters: Uncertain significance (4). Last evaluated 2025-12-13.

Conditions:
ATM-related cancer predisposition. Also called: ATM-related cancer susceptibility. Identifiers: MedGen CN377759, MONDO:0700270.
Hereditary cancer-predisposing syndrome. Also called: Neoplastic Syndromes, Hereditary; Hereditary neoplastic syndrome; Tumor predisposition; Hereditary Cancer Syndrome. Identifiers: Orphanet 140162, MedGen C0027672, MeSH D009386, MONDO:0015356.
Ataxia-telangiectasia syndrome (AT). Also called: Ataxia telangiectasia (A-T); Cerebello-oculocutaneous telangiectasia; Immunodeficiency with ataxia telangiectasia; LOUIS-BAR SYNDROME; AT, COMPLEMENTATION GROUP C; ATAXIA-TELANGIECTASIA, FRESNO VARIANT. Identifiers: Orphanet 100, MedGen C0004135, MONDO:0008840, OMIM 208900.

Submissions (4):

Labcorp Genetics (formerly Invitae), Labcorp
Classification: Uncertain significance for Ataxia-telangiectasia syndrome. Last evaluated: 2025-12-13. Review status: criteria provided, single submitter. Criteria: Invitae Variant Classification Sherloc (09022015). Collection method: clinical testing. Allele origin: germline.
Comment: This sequence change replaces valine, which is neutral and non-polar, with alanine, which is neutral and non-polar, at codon 2201 of the ATM protein (p.Val2201Ala). This variant is not present in population databases (gnomAD no frequency). This variant has not been reported in the literature in individuals affected with ATM-related conditions. ClinVar contains an entry for this variant (Variation ID: 230185). Invitae Evidence Modeling of protein sequence and biophysical properties (such as structural, functional, and spatial information, amino acid conservation, physicochemical variation, residue mobility, and thermodynamic stability) indicates that this missense variant is not expected to disrupt ATM protein function with a negative predictive value of 95%. In summary, the available evidence is currently insufficient to determine the role of this variant in disease. Therefore, it has been classified as a Variant of Uncertain Significance.

Color Diagnostics, LLC DBA Color Health
Classification: Uncertain significance for Hereditary cancer-predisposing syndrome. Last evaluated: 2025-12-08. Review status: criteria provided, single submitter. Criteria: ACMG Guidelines, 2015. Collection method: clinical testing. Allele origin: germline.
Comment: This missense variant replaces valine with alanine at codon 2201 of the ATM protein. Computational prediction tool suggests that this variant may not impact protein structure and function. Splice site prediction tools suggest that this variant may not impact RNA splicing. To our knowledge, functional studies have not been performed for this variant. This variant has not been reported in individuals affected with hereditary cancer in the literature. This variant has not been identified in the general population by the Genome Aggregation Database (gnomAD). The available evidence is insufficient to determine the role of this variant in disease conclusively. Therefore, this variant is classified as a Variant of Uncertain Significance.

Department of Pathology and Laboratory Medicine, Sinai Health System
Classification: Uncertain significance for ATM-related cancer predisposition. Last evaluated: 2022-05-18. Review status: criteria provided, single submitter. Criteria: ACMG Guidelines, 2015. Collection method: clinical testing. Allele origin: germline. Affected: no.

Ambry Genetics
Classification: Uncertain significance for Hereditary cancer-predisposing syndrome. Last evaluated: 2021-07-12. Review status: criteria provided, single submitter. Criteria: Ambry Variant Classification Scheme 2023. Collection method: clinical testing. Allele origin: germline.
Comment: The p.V2201A variant (also known as c.6602T>C), located in coding exon 45 of the ATM gene, results from a T to C substitution at nucleotide position 6602. The valine at codon 2201 is replaced by alanine, an amino acid with similar properties. This amino acid position is not well conserved in available vertebrate species. In addition, this alteration is predicted to be tolerated by in silico analysis. Since supporting evidence is limited at this time, the clinical significance of this alteration remains unclear.

NM_000051.4(ATM):c.6602T>C (p.Val2201Ala)

Genes: ATM (ATM serine/threonine kinase; plus strand), C11orf65 (chromosome 11 open reading frame 65; minus strand). Cytogenetic location: 11q22.3.
Variant type: single nucleotide variant.
Coding change: c.6602T>C on transcript NM_000051.4 (MANE Select); coding-DNA position 6602, T replaced by C.
Protein change: p.Val2201Ala; replaces valine 2201 with alanine.
Molecular consequence: missense variant. On other transcripts: intron variant (2).
Genome position (GRCh38, 1-based): chr11:108,325,339, T>C. VCF-style: chr11-108325339-T-C. GRCh37 (hg19) VCF-style: chr11-108196066-T-C.
Other names: c.*38+9881A>G (NM_001351110.2); c.6602T>C, p.Val2201Ala (NM_001351834.2); c.641-16268A>G (NM_001330368.2); short protein forms V2201A.
Identifiers: ClinVar variation 230185 (VCV000230185.15), dbSNP rs876658435, ClinGen allele CA10579225.